The following is an entry in ClinVar:

ClinVar aggregate classification (germline): Uncertain significance (1 of 4 stars; one submission).

Conditions:
Charcot-Marie-Tooth disease axonal type 2O. Also called: CHARCOT-MARIE-TOOTH NEUROPATHY, AXONAL, TYPE 2O; CHARCOT-MARIE-TOOTH DISEASE, AXONAL, AUTOSOMAL DOMINANT, TYPE 2O; Charcot-Marie-Tooth Neuropathy Type 2O; Charcot-Marie-Tooth disease, axonal, type 20. Identifiers: Orphanet 284232, MedGen C3280220, MONDO:0013644, OMIM 614228.

Submission:

Labcorp Genetics (formerly Invitae), Labcorp
Classification: Uncertain significance for Charcot-Marie-Tooth disease axonal type 2O. Last evaluated: 2022-08-23. Review status: criteria provided, single submitter. Criteria: Invitae Variant Classification Sherloc (09022015). Collection method: clinical testing. Allele origin: germline.
Comment: This sequence change replaces alanine, which is neutral and non-polar, with glycine, which is neutral and non-polar, at codon 4432 of the DYNC1H1 protein (p.Ala4432Gly). This variant is not present in population databases (gnomAD no frequency). This variant has not been reported in the literature in individuals affected with DYNC1H1-related conditions. ClinVar contains an entry for this variant (Variation ID: 953887). Advanced modeling of protein sequence and biophysical properties (such as structural, functional, and spatial information, amino acid conservation, physicochemical variation, residue mobility, and thermodynamic stability) performed at Invitae indicates that this missense variant is not expected to disrupt DYNC1H1 protein function. In summary, the available evidence is currently insufficient to determine the role of this variant in disease. Therefore, it has been classified as a Variant of Uncertain Significance.

NM_001376.5(DYNC1H1):c.13295C>G (p.Ala4432Gly)

Gene: DYNC1H1 (dynein cytoplasmic 1 heavy chain 1; plus strand). Cytogenetic location: 14q32.31.
Variant type: single nucleotide variant.
Coding change: c.13295C>G on transcript NM_001376.5 (MANE Select); coding-DNA position 13295, C replaced by G.
Protein change: p.Ala4432Gly; replaces alanine 4432 with glycine.
Molecular consequence: missense variant.
Genome position (GRCh38, 1-based): chr14:102,048,592, C>G. VCF-style: chr14-102048592-C-G. GRCh37 (hg19) VCF-style: chr14-102514929-C-G.
Other names: short protein forms A4432G.
Identifiers: ClinVar variation 953887 (VCV000953887.9), dbSNP rs2048759187, ClinGen allele CA391048179.
Genomic context (GRCh38, chr14:102,048,592, plus strand): 5'-TCTTTGAGAGAGAAGTGAAGATGGGCGCAAAGCTGCTTCAGGACGTTCGCCAGGACCTTG[C>G]AGATGTCGTCCAGGTGTGCGAAGGAAAGAAGAAGCAGACCAACTACTTGCGCACGCTGAT-3'
Protein context (NP_001367.2, residues 4422-4442): KLLQDVRQDL[Ala4432Gly]DVVQVCEGKK